The following is an entry in ClinVar:

ClinVar aggregate classification (germline): Likely benign (1 of 4 stars; one submission).

Submission:

CeGaT Center for Human Genetics Tuebingen
Classification: Likely benign. Last evaluated: 2023-02-01. Review status: criteria provided, single submitter. Criteria: CeGaT Center For Human Genetics Tuebingen Variant Classification Criteria Version 2. Collection method: clinical testing. Allele origin: germline. Affected: yes. Observed: 1 variant allele.
Comment: CLCN3: PM2:Supporting, BP4, BP7

NM_001829.4(CLCN3):c.2367-2094A>T

Gene: CLCN3 (Cl-/H+ antiporter 3; plus strand). Cytogenetic location: 4q33.
Variant type: single nucleotide variant.
Coding change: c.2367-2094A>T on transcript NM_001829.4 (MANE Select); 2094 bases into the intron before coding-DNA position 2367, A replaced by T.
Molecular consequence: intron variant. On other transcripts: synonymous variant (1).
Genome position (GRCh38, 1-based): chr4:169,717,813, A>T. VCF-style: chr4-169717813-A-T. GRCh37 (hg19) VCF-style: chr4-170638964-A-T.
Other names: c.2388A>T, p.Thr796= (NM_173872.4); c.2286-2094A>T (NM_001243372.2, NM_001243374.2).
Identifiers: ClinVar variation 2655187 (VCV002655187.24), dbSNP rs2477184843, ClinGen allele CA442298631.